The following is an entry in ClinVar:

NM_014550.4(CARD10):c.3095C>A (p.Ala1032Asp)

Gene: CARD10 (caspase recruitment domain family member 10; minus strand). Cytogenetic location: 22q13.1.
Variant type: single nucleotide variant.
Coding change: c.3095C>A on transcript NM_014550.4 (MANE Select); coding-DNA position 3095, C replaced by A.
Protein change: p.Ala1032Asp; replaces alanine 1032 with aspartic acid.
Molecular consequence: missense variant.
Genome position (GRCh38, 1-based): chr22:37,491,163, G>T on the plus strand (C>A on the coding strand, the complement: CARD10 is on the minus strand). VCF-style: chr22-37491163-G-T. GRCh37 (hg19) VCF-style: chr22-37887201-G-T.
Other names: short protein forms A1032D.
Identifiers: ClinVar variation 3061323 (VCV003061323.2), dbSNP rs2517793087, ClinGen allele CA411456130.

ClinVar aggregate classification (germline): Uncertain significance (0 of 4 stars; one submission).

Conditions:
CARD10-related disorder. Also called: CARD10-related condition.

Allele frequency attached by ClinVar (database versions not stated): gnomAD exomes below 0.00001.

Submission:

PreventionGenetics, part of Exact Sciences
Classification: Uncertain significance for CARD10-related condition. Last evaluated: 2024-02-05. Review status: no assertion criteria provided. Collection method: clinical testing. Allele origin: germline.
Comment: The CARD10 c.3095C>A variant is predicted to result in the amino acid substitution p.Ala1032Asp. To our knowledge, this variant has not been reported in the literature or in a large population database, indicating this variant is rare. At this time, the clinical significance of this variant is uncertain due to the absence of conclusive functional and genetic evidence.